The following is an entry in ClinVar:

ClinVar aggregate classification (germline): Conflicting classifications of pathogenicity. Review status: criteria provided, conflicting classifications (1 of 4 stars). 4 submissions from 4 submitters: Uncertain significance (2); Likely benign (1). 1 of the submissions does not count toward it. Last evaluated 2025-12-31.

Conditions:
CYP4F22-related disorder. Also called: CYP4F22-related condition.
Autosomal recessive congenital ichthyosis 5 (ARCI5). Also called: ICHTHYOSIS CONGENITA III; Ichthyosis, nonlamellar and nonerythrodermic, congenital, autosomal recessive. Identifiers: Orphanet 313, MedGen C1858133, MONDO:0011485, OMIM 604777.

Allele frequency attached by ClinVar (database versions not stated): gnomAD exomes 0.00024; ExAC 0.00027; gnomAD 0.00089 and 0.00100; ESP Exome Variant Server 0.00092; TOPMed 0.00098; 1000 Genomes Project 0.00100; 1000 Genomes Project 30x 0.00109.

Submissions (4):

Labcorp Genetics (formerly Invitae), Labcorp
Classification: Likely benign. Last evaluated: 2025-12-31. Review status: criteria provided, single submitter. Criteria: Invitae Variant Classification Sherloc (09022015). Collection method: clinical testing. Allele origin: germline.

Illumina Laboratory Services, Illumina
Classification: Uncertain significance for Autosomal recessive congenital ichthyosis 5. Last evaluated: 2018-01-12. Review status: criteria provided, single submitter. Criteria: ICSL Variant Classification Criteria 13 December 2019. Collection method: clinical testing. Allele origin: germline.

Breakthrough Genomics
Classification: Uncertain significance. Review status: criteria provided, single submitter. Criteria: ACMG Guidelines, 2015. Collection method: not provided. Allele origin: germline. Inheritance: Autosomal dominant inheritance. Affected: yes.

PreventionGenetics, part of Exact Sciences
Classification: Likely benign for CYP4F22-related condition. Last evaluated: 2022-03-02. Review status: no assertion criteria provided. Collection method: clinical testing. Allele origin: germline. Not counted in ClinVar's aggregate classification.
Comment: This variant is classified as likely benign based on ACMG/AMP sequence variant interpretation guidelines (Richards et al. 2015 PMID: 25741868, with internal and published modifications).

NM_173483.4(CYP4F22):c.736C>T (p.Arg246Cys)

Gene: CYP4F22 (cytochrome P450 family 4 subfamily F member 22; plus strand). Cytogenetic location: 19p13.12.
Variant type: single nucleotide variant.
Coding change: c.736C>T on transcript NM_173483.4 (MANE Select); coding-DNA position 736, C replaced by T.
Protein change: p.Arg246Cys; replaces arginine 246 with cysteine.
Molecular consequence: missense variant.
Genome position (GRCh38, 1-based): chr19:15,540,514, C>T. VCF-style: chr19-15540514-C-T. GRCh37 (hg19) VCF-style: chr19-15651325-C-T.
Other names: short protein forms R246C.
Identifiers: ClinVar variation 328436 (VCV000328436.9), dbSNP rs148977089, ClinGen allele CA9269690.